The following is an entry in ClinVar:

ClinVar aggregate classification (germline): Uncertain significance (1 of 4 stars; one submission).

Conditions:
Nephronophthisis 15 (NPHP15). Identifiers: Orphanet 3156, MedGen C3541853, MONDO:0013917, OMIM 614845.

Submission:

Labcorp Genetics (formerly Invitae), Labcorp
Classification: Uncertain significance for Nephronophthisis 15. Last evaluated: 2022-06-30. Review status: criteria provided, single submitter. Criteria: Invitae Variant Classification Sherloc (09022015). Collection method: clinical testing. Allele origin: germline.
Comment: Algorithms developed to predict the effect of missense changes on protein structure and function (SIFT, PolyPhen-2, Align-GVGD) all suggest that this variant is likely to be tolerated. In summary, the available evidence is currently insufficient to determine the role of this variant in disease. Therefore, it has been classified as a Variant of Uncertain Significance. This variant has not been reported in the literature in individuals affected with CEP164-related conditions. This variant is not present in population databases (gnomAD no frequency). This sequence change replaces histidine, which is basic and polar, with glutamine, which is neutral and polar, at codon 907 of the CEP164 protein (p.His907Gln).

NM_014956.5(CEP164):c.2721C>G (p.His907Gln)

Gene: CEP164 (centrosomal protein 164; plus strand). Cytogenetic location: 11q23.3.
Variant type: single nucleotide variant.
Coding change: c.2721C>G on transcript NM_014956.5 (MANE Select); coding-DNA position 2721, C replaced by G.
Protein change: p.His907Gln; replaces histidine 907 with glutamine.
Molecular consequence: missense variant.
Genome position (GRCh38, 1-based): chr11:117,394,454, C>G. VCF-style: chr11-117394454-C-G. GRCh37 (hg19) VCF-style: chr11-117265170-C-G.
Other names: c.2730C>G, p.His910Gln (NM_001271933.2); short protein forms H910Q, H907Q.
Identifiers: ClinVar variation 2012486 (VCV002012486.4), dbSNP rs2542055435, ClinGen allele CA382728471.